The following is an entry in ClinVar:

ClinVar aggregate classification (germline): Uncertain significance. Review status: criteria provided, multiple submitters, no conflicts (2 of 4 stars). 2 submissions from 2 submitters: Uncertain significance (2). Last evaluated 2022-09-21.

Conditions:
Inborn genetic diseases. Identifiers: MedGen C0950123, MeSH D030342.

Allele frequency attached by ClinVar (database versions not stated): gnomAD exomes below 0.00001; TOPMed below 0.00001; gnomAD 0.00001; ExAC 0.00002.

Submissions (2):

Ambry Genetics
Classification: Uncertain significance for Inborn genetic diseases. Last evaluated: 2022-09-21. Review status: criteria provided, single submitter. Criteria: Ambry Variant Classification Scheme 2023. Collection method: clinical testing. Allele origin: germline.
Comment: The p.T147S variant (also known as c.440C>G), located in coding exon 5 of the MDH2 gene, results from a C to G substitution at nucleotide position 440. The threonine at codon 147 is replaced by serine, an amino acid with similar properties. This amino acid position is conserved. In addition, the in silico prediction for this alteration is inconclusive. Since supporting evidence is limited at this time, the clinical significance of this alteration remains unclear.

Labcorp Genetics (formerly Invitae), Labcorp
Classification: Uncertain significance. Last evaluated: 2022-06-23. Review status: criteria provided, single submitter. Criteria: Invitae Variant Classification Sherloc (09022015). Collection method: clinical testing. Allele origin: germline.
Comment: In summary, the available evidence is currently insufficient to determine the role of this variant in disease. Therefore, it has been classified as a Variant of Uncertain Significance. Algorithms developed to predict the effect of missense changes on protein structure and function are either unavailable or do not agree on the potential impact of this missense change (SIFT: "Tolerated"; PolyPhen-2: "Possibly Damaging"; Align-GVGD: "Class C0"). This variant has not been reported in the literature in individuals affected with MDH2-related conditions. This variant is present in population databases (rs782658122, gnomAD 0.01%). This sequence change replaces threonine, which is neutral and polar, with serine, which is neutral and polar, at codon 147 of the MDH2 protein (p.Thr147Ser).

NM_005918.4(MDH2):c.440C>G (p.Thr147Ser)

Gene: MDH2 (malate dehydrogenase 2; plus strand). Cytogenetic location: 7q11.23.
Variant type: single nucleotide variant.
Coding change: c.440C>G on transcript NM_005918.4 (MANE Select); coding-DNA position 440, C replaced by G.
Protein change: p.Thr147Ser; replaces threonine 147 with serine.
Molecular consequence: missense variant. On other transcripts: intron variant (1).
Genome position (GRCh38, 1-based): chr7:76,060,383, C>G. VCF-style: chr7-76060383-C-G. GRCh37 (hg19) VCF-style: chr7-75689701-C-G.
Other names: c.119C>G, p.Thr40Ser (NM_001282404.2); c.429+2305C>G (NM_001282403.2); short protein forms T40S, T147S.
Identifiers: ClinVar variation 1740379 (VCV001740379.7), dbSNP rs782658122, ClinGen allele CA4305545.
Genomic context (GRCh38, chr7:76,060,383, plus strand): 5'-CCTGCTCTCGGAACCCAGGGCAAGCCATGCCTGTCTGTTGGATGTCCTAGGTTAATTCCA[C>G]CATCCCCATCACAGCAGAAGTTTTCAAGAAGCATGGAGTGTACAACCCCAACAAAATCTT-3'
Protein context (NP_005909.2, residues 137-157): ICVIANPVNS[Thr147Ser]IPITAEVFKK